The following is an entry in ClinVar:

ClinVar aggregate classification (germline): Uncertain significance (1 of 4 stars; one submission).

Submission:

GeneDx
Classification: Uncertain significance. Last evaluated: 2020-05-22. Review status: criteria provided, single submitter. Criteria: GeneDx Variant Classification Process June 2021. Collection method: clinical testing. Allele origin: germline. Affected: yes.
Comment: Not observed in large population cohorts (Lek et al., 2016); Non-canonical splice site variant located in the I-band region that does not affect one of the constitutive exons; studies suggest that truncating variants affecting constitutive exons throughout the TTN gene are significantly associated with DCM (Deo, 2016; Schafer et al., 2017); Has not been previously published as pathogenic or benign to our knowledge

NM_001267550.2(TTN):c.16054+5G>C

Gene: TTN (titin; minus strand). Cytogenetic location: 2q31.2.
Variant type: single nucleotide variant.
Coding change: c.16054+5G>C on transcript NM_001267550.2 (MANE Select); 5 bases into the intron after coding-DNA position 16054, G replaced by C.
Molecular consequence: intron variant.
Genome position (GRCh38, 1-based): chr2:178,733,234, C>G on the plus strand (G>C on the coding strand, the complement: TTN is on the minus strand). VCF-style: chr2-178733234-C-G. GRCh37 (hg19) VCF-style: chr2-179597961-C-G.
Other names: c.13282+4848G>C (NM_003319.4); c.13858+4848G>C (NM_133437.4); c.13657+4848G>C (NM_133432.3); c.12322+5G>C (NM_133378.4); c.15103+5G>C (NM_001256850.1).
Identifiers: ClinVar variation 1312629 (VCV001312629.2), dbSNP rs2154311151, ClinGen allele CA2573051807.